The following is an entry in ClinVar:

NM_020719.3(PRR12):c.2823C>G (p.Asp941Glu)

Gene: PRR12 (proline rich 12; plus strand). Cytogenetic location: 19q13.33.
Variant type: single nucleotide variant.
Coding change: c.2823C>G on transcript NM_020719.3 (MANE Select); coding-DNA position 2823, C replaced by G.
Protein change: p.Asp941Glu; replaces aspartic acid 941 with glutamic acid.
Molecular consequence: missense variant.
Genome position (GRCh38, 1-based): chr19:49,597,158, C>G. VCF-style: chr19-49597158-C-G. GRCh37 (hg19) VCF-style: chr19-50100415-C-G.
Other names: short protein forms D941E.
Identifiers: ClinVar variation 2967125 (VCV002967125.3), dbSNP rs768911052, ClinGen allele CA406876853.
Genomic context (GRCh38, chr19:49,597,158, plus strand): 5'-CAAGGCGCCGCGTTTCGTGCCGCTCACCTCCATCTGCTTCCCTGACTCCTTGCTCCAAGA[C>G]GAGGAGCGCAGCTTCTTCCCCACCATGGAGGAGATGTTCGGTGGAGGGGCCGCGGACGAC-3'
Protein context (NP_065770.1, residues 931-951): SICFPDSLLQ[Asp941Glu]EERSFFPTME

ClinVar aggregate classification (germline): Uncertain significance (1 of 4 stars; one submission).

Submission:

Labcorp Genetics (formerly Invitae), Labcorp
Classification: Uncertain significance. Last evaluated: 2023-10-02. Review status: criteria provided, single submitter. Criteria: Invitae Variant Classification Sherloc (09022015). Collection method: clinical testing. Allele origin: germline.
Comment: This sequence change replaces aspartic acid, which is acidic and polar, with glutamic acid, which is acidic and polar, at codon 941 of the PRR12 protein (p.Asp941Glu). This variant is not present in population databases (gnomAD no frequency). This variant has not been reported in the literature in individuals affected with PRR12-related conditions. An algorithm developed to predict the effect of missense changes on protein structure and function (PolyPhen-2) suggests that this variant is likely to be disruptive. In summary, the available evidence is currently insufficient to determine the role of this variant in disease. Therefore, it has been classified as a Variant of Uncertain Significance.